The following is an entry in ClinVar:

NM_144670.6(A2ML1):c.296C>T (p.Ser99Leu)

Genes: A2ML1 (alpha-2-macroglobulin like 1; plus strand), A2ML1-AS1 (A2ML1 antisense RNA 1; minus strand). Cytogenetic location: 12p13.31.
Variant type: single nucleotide variant.
Coding change: c.296C>T on transcript NM_144670.6 (MANE Select); coding-DNA position 296, C replaced by T.
Protein change: p.Ser99Leu; replaces serine 99 with leucine.
Molecular consequence: missense variant.
Genome position (GRCh38, 1-based): chr12:8,823,769, C>T. VCF-style: chr12-8823769-C-T. GRCh37 (hg19) VCF-style: chr12-8976365-C-T.
Other names: short protein forms S99L.
Identifiers: ClinVar variation 2716857 (VCV002716857.3), dbSNP rs774800055, ClinGen allele CA6435231.

ClinVar aggregate classification (germline): Uncertain significance (1 of 4 stars; one submission).

Allele frequency attached by ClinVar (database versions not stated): TOPMed below 0.00001; gnomAD 0.00001; ExAC 0.00002.
gnomAD v4.1: 22 of 1,613,854 alleles (0.0014%); highest among the groups gnomAD compares: South Asian, 0.018%; no homozygotes.

Submission:

Labcorp Genetics (formerly Invitae), Labcorp
Classification: Uncertain significance. Last evaluated: 2024-12-23. Review status: criteria provided, single submitter. Criteria: Invitae Variant Classification Sherloc (09022015). Collection method: clinical testing. Allele origin: germline.
Comment: This sequence change replaces serine, which is neutral and polar, with leucine, which is neutral and non-polar, at codon 99 of the A2ML1 protein (p.Ser99Leu). This variant is present in population databases (rs774800055, gnomAD 0.02%). This variant has not been reported in the literature in individuals affected with A2ML1-related conditions. ClinVar contains an entry for this variant (Variation ID: 2716857). An algorithm developed to predict the effect of missense changes on protein structure and function (PolyPhen-2) suggests that this variant is likely to be tolerated. In summary, the available evidence is currently insufficient to determine the role of this variant in disease. Therefore, it has been classified as a Variant of Uncertain Significance.